The following is an entry in ClinVar:

ClinVar aggregate classification (germline): Uncertain significance (1 of 4 stars; one submission).

Conditions:
Landau-Kleffner syndrome (FESD). Also called: EPILEPSY, FOCAL, WITH SPEECH DISORDER AND WITH OR WITHOUT MENTAL RETARDATION; APHASIA, ACQUIRED, WITH EPILEPSY. Identifiers: Orphanet 1945, Orphanet 725, Orphanet 98818, MedGen C0282512, MONDO:0009509, OMIM 245570.

Submission:

Labcorp Genetics (formerly Invitae), Labcorp
Classification: Uncertain significance for Landau-Kleffner syndrome. Last evaluated: 2020-03-02. Review status: criteria provided, single submitter. Criteria: Invitae Variant Classification Sherloc (09022015). Collection method: clinical testing. Allele origin: germline.
Comment: In summary, the available evidence is currently insufficient to determine the role of this variant in disease. Therefore, it has been classified as a Variant of Uncertain Significance. Algorithms developed to predict the effect of missense changes on protein structure and function output the following: SIFT: "Tolerated"; PolyPhen-2: "Benign"; Align-GVGD: "Class C0". The valine amino acid residue is found in multiple mammalian species, suggesting that this missense change does not adversely affect protein function. These predictions have not been confirmed by published functional studies and their clinical significance is uncertain. This variant has not been reported in the literature in individuals with GRIN2A-related conditions. This variant is not present in population databases (ExAC no frequency). This sequence change replaces alanine with valine at codon 1039 of the GRIN2A protein (p.Ala1039Val). The alanine residue is weakly conserved and there is a small physicochemical difference between alanine and valine.

NM_001134407.3(GRIN2A):c.3116C>T (p.Ala1039Val)

Gene: GRIN2A (glutamate ionotropic receptor NMDA type subunit 2A; minus strand). Cytogenetic location: 16p13.2.
Variant type: single nucleotide variant.
Coding change: c.3116C>T on transcript NM_001134407.3 (MANE Select); coding-DNA position 3116, C replaced by T.
Protein change: p.Ala1039Val; replaces alanine 1039 with valine.
Molecular consequence: missense variant.
Genome position (GRCh38, 1-based): chr16:9,764,428, G>A on the plus strand (C>T on the coding strand, the complement: GRIN2A is on the minus strand). VCF-style: chr16-9764428-G-A. GRCh37 (hg19) VCF-style: chr16-9858285-G-A.
Other names: c.3116C>T, p.Ala1039Val (NM_000833.5, NM_001134408.2); short protein forms A1039V.
Identifiers: ClinVar variation 965124 (VCV000965124.10), dbSNP rs1900778341, ClinGen allele CA394708635.